The following is an entry in ClinVar:

NC_000010.10:g.(?_14981789)_(14981888_?)dup

Gene: DCLRE1C (DNA cross-link repair 1C; minus strand). Cytogenetic location: 10p13.
Variant type: Duplication.
Identifiers: ClinVar variation 468479 (VCV000468479.2).

ClinVar aggregate classification (germline): Uncertain significance (1 of 4 stars; one submission).

Conditions:
Severe combined immunodeficiency due to DCLRE1C deficiency (RS-SCID). Also called: SCID, AUTOSOMAL RECESSIVE, T CELL-NEGATIVE, B CELL-NEGATIVE, NK CELL-POSITIVE, WITH SENSITIVITY TO IONIZING RADIATION. Identifiers: Orphanet 275, MedGen C1865371, MONDO:0011225, OMIM 602450.

Submission:

Labcorp Genetics (formerly Invitae), Labcorp
Classification: Uncertain significance for Severe combined immunodeficiency with sensitivity to ionizing radiation. Last evaluated: 2019-08-02. Review status: criteria provided, single submitter. Criteria: Invitae Variant Classification Sherloc (09022015). Collection method: clinical testing. Allele origin: germline.
Comment: This variant results in a copy number gain of the genomic region encompassing exon 4 of the DCLRE1C gene. While the exact position of this variant cannot be determined from this data, sub-genic copy number gains are generally in tandem (PMID: 25640679). This variant would be expected to be in-frame, preserving the integrity of the reading frame. This variant has not been reported in the literature in individuals with DCLRE1C-related disease. Experimental studies and prediction algorithms are not available for this variant, and the functional significance of the duplicated amino acids is currently unknown. In summary, the available evidence is currently insufficient to determine the role of this variant in disease. Therefore, it has been classified as a Variant of Uncertain Significance.